The following is an entry in ClinVar:

NM_001374736.1(DST):c.22288C>T (p.Arg7430Trp)

Gene: DST (dystonin; minus strand). Cytogenetic location: 6p12.1.
Variant type: single nucleotide variant.
Coding change: c.22288C>T on transcript NM_001374736.1 (MANE Select); coding-DNA position 22288, C replaced by T.
Protein change: p.Arg7430Trp; replaces arginine 7430 with tryptophan.
Molecular consequence: missense variant.
Genome position (GRCh38, 1-based): chr6:56,471,139, G>A on the plus strand (C>T on the coding strand, the complement: DST is on the minus strand). VCF-style: chr6-56471139-G-A. GRCh37 (hg19) VCF-style: chr6-56335937-G-A.
Other names: c.15931C>T, p.Arg5311Trp (NM_001144769.5); c.15517C>T, p.Arg5173Trp (NM_001144770.2); c.22288C>T, p.Arg7430Trp (NM_001374722.1); c.21328C>T, p.Arg7110Trp (NM_001374729.1); c.15070C>T, p.Arg5024Trp (NM_001374730.1); c.22315C>T, p.Arg7439Trp (NM_001374734.1); c.15397C>T, p.Arg5133Trp (NM_001386100.1, NM_183380.4); c.14419C>T, p.Arg4807Trp (NM_015548.5); short protein forms R4807W, R5024W, R5133W, R5173W, R5311W, R7110W, R7430W, R7439W.
Identifiers: ClinVar variation 1054013 (VCV001054013.9), dbSNP rs754663787, ClinGen allele CA3866295.

ClinVar aggregate classification (germline): Uncertain significance. Review status: criteria provided, multiple submitters, no conflicts (2 of 4 stars). 2 submissions from 2 submitters: Uncertain significance (2). Last evaluated 2023-03-17.

Conditions:
Inborn genetic diseases. Identifiers: MedGen C0950123, MeSH D030342.
Epidermolysis bullosa simplex 3, localized or generalized intermediate, with BP230 deficiency (EBS3). Also called: Epidermolysis bullosa simplex due to BP230 deficiency; Epidermolysis bullosa simplex, autosomal recessive 2. Identifiers: Orphanet 412181, MedGen C3809470, MONDO:0014180, OMIM 615425.
Hereditary sensory and autonomic neuropathy type 6. Also called: HSAN VI; Neuropathy, hereditary sensory and autonomic, type VI. Identifiers: Orphanet 314381, MedGen C3539003, MONDO:0013839, OMIM 614653.

Allele frequency attached by ClinVar (database versions not stated): TOPMed below 0.00001; gnomAD exomes 0.00001; ExAC 0.00002.

Submissions (2):

Ambry Genetics
Classification: Uncertain significance for Inborn genetic diseases. Last evaluated: 2023-03-17. Review status: criteria provided, single submitter. Criteria: Ambry Variant Classification Scheme 2023. Collection method: clinical testing. Allele origin: germline.

Labcorp Genetics (formerly Invitae), Labcorp
Classification: Uncertain significance for Epidermolysis bullosa simplex 3, localized or generalized intermediate, with BP230 deficiency; Hereditary sensory and autonomic neuropathy type 6. Last evaluated: 2021-09-08. Review status: criteria provided, single submitter. Criteria: Invitae Variant Classification Sherloc (09022015). Collection method: clinical testing. Allele origin: germline.
Comment: In summary, the available evidence is currently insufficient to determine the role of this variant in disease. Therefore, it has been classified as a Variant of Uncertain Significance. Experimental studies and prediction algorithms are not available or were not evaluated, and the functional significance of this variant is currently unknown. ClinVar contains an entry for this variant (Variation ID: 1054013). This variant has not been reported in the literature in individuals affected with DST-related conditions. This variant is present in population databases (rs754663787, ExAC 0.004%). This sequence change replaces arginine with tryptophan at codon 4807 of the DST protein (p.Arg4807Trp). The DST gene has multiple clinically relevant transcripts. This variant occurs in alternate transcript NM_015548.4, and corresponds to NM_001723.5:c.*144378C>T in the primary transcript.